The following is an entry in ClinVar:

NM_007315.4(STAT1):c.380C>T (p.Ser127Leu)

Gene: STAT1 (signal transducer and activator of transcription 1; minus strand). Cytogenetic location: 2q32.2.
Variant type: single nucleotide variant.
Coding change: c.380C>T on transcript NM_007315.4 (MANE Select); coding-DNA position 380, C replaced by T.
Protein change: p.Ser127Leu; replaces serine 127 with leucine.
Molecular consequence: missense variant. On other transcripts: intron variant (1).
Genome position (GRCh38, 1-based): chr2:191,001,156, G>A on the plus strand (C>T on the coding strand, the complement: STAT1 is on the minus strand). VCF-style: chr2-191001156-G-A. GRCh37 (hg19) VCF-style: chr2-191865882-G-A.
Other names: c.380C>T, p.Ser127Leu (NM_001384880.1, NM_001384882.1, NM_001384883.1 and 6 more transcripts); c.386C>T, p.Ser129Leu (NM_001384881.1, NM_001384884.1); c.416C>T, p.Ser139Leu (NM_001384891.1); c.373-1452C>T (NM_001384890.1); short protein forms S127L, S129L, S139L.
Identifiers: ClinVar variation 582688 (VCV000582688.7), dbSNP rs768483703, ClinGen allele CA2030251.

ClinVar aggregate classification (germline): Uncertain significance. Review status: criteria provided, single submitter (1 of 4 stars). 2 submissions from 2 submitters: Uncertain significance (1). 1 of the submissions does not count toward it. Last evaluated 2021-08-27.

Conditions:
STAT1-related disorder. Also called: STAT1-related condition.
Mendelian susceptibility to mycobacterial diseases due to partial STAT1 deficiency. Also called: IMMUNODEFICIENCY 31A, MYCOBACTERIOSIS, AUTOSOMAL DOMINANT; STAT1 DEFICIENCY, AUTOSOMAL DOMINANT; Immunodeficiency 31a. Identifiers: Orphanet 319595, MedGen C4013950, MONDO:0013956, OMIM 614892.
Immunodeficiency 31B. Also called: STAT1 DEFICIENCY, AUTOSOMAL RECESSIVE; IMMUNODEFICIENCY 31B, MYCOBACTERIAL AND VIRAL INFECTIONS, AUTOSOMAL RECESSIVE. Identifiers: Orphanet 391311, MedGen C3151088, MONDO:0013427, OMIM 613796.
Autoimmune enteropathy and endocrinopathy - susceptibility to chronic infections syndrome. Also called: Immunodeficiency 31C; Immunodeficiency 31C, autosomal dominant. Identifiers: Orphanet 391487, MedGen C3279990, MONDO:0013599, OMIM 614162.

Allele frequency attached by ClinVar (database versions not stated): gnomAD 0.00001; gnomAD exomes 0.00001 and 0.00002; ExAC 0.00002; TOPMed below 0.00001.
gnomAD v4.1: 24 of 1,613,014 alleles (0.0015%); highest among the groups gnomAD compares: Non-Finnish European, 0.002%; no homozygotes.

Submissions (2):

Labcorp Genetics (formerly Invitae), Labcorp
Classification: Uncertain significance for Mendelian susceptibility to mycobacterial diseases due to partial STAT1 deficiency; Immunodeficiency 31B; Autoimmune enteropathy and endocrinopathy - susceptibility to chronic infections syndrome. Last evaluated: 2021-08-27. Review status: criteria provided, single submitter. Criteria: Invitae Variant Classification Sherloc (09022015). Collection method: clinical testing. Allele origin: germline.
Comment: This sequence change replaces serine with leucine at codon 127 of the STAT1 protein (p.Ser127Leu). The serine residue is weakly conserved and there is a large physicochemical difference between serine and leucine. This variant is present in population databases (rs768483703, ExAC 0.003%). This variant has not been reported in the literature in individuals affected with STAT1-related conditions. Algorithms developed to predict the effect of missense changes on protein structure and function output the following: SIFT: "Tolerated"; PolyPhen-2: "Benign"; Align-GVGD: "Class C0". The leucine amino acid residue is found in multiple mammalian species, which suggests that this missense change does not adversely affect protein function. In summary, the available evidence is currently insufficient to determine the role of this variant in disease. Therefore, it has been classified as a Variant of Uncertain Significance.

PreventionGenetics, part of Exact Sciences
Classification: Uncertain significance for STAT1-related condition. Last evaluated: 2024-08-27. Review status: no assertion criteria provided. Collection method: clinical testing. Allele origin: germline. Not counted in ClinVar's aggregate classification.
Comment: The STAT1 c.380C>T variant is predicted to result in the amino acid substitution p.Ser127Leu. To our knowledge, this variant has not been reported in the literature in individuals with STAT1-related disease. This variant is reported in 0.0031% of alleles in individuals of European (Non-Finnish) descent in gnomAD. At this time, the clinical significance of this variant is uncertain due to the absence of conclusive functional and genetic evidence.